The following is an entry in ClinVar:

ClinVar aggregate classification (germline): Likely pathogenic (1 of 4 stars; one submission).

Conditions:
Familial dysautonomia. Also called: HSAN III; FD. Identifiers: Orphanet 1764, MedGen C0013364, MONDO:0009131, OMIM 223900. Disease mechanism: loss of function.

Submission:

Natera, Inc.
Classification: Likely pathogenic for Familial dysautonomia. Last evaluated: 2025-12-18. Review status: criteria provided, single submitter. Criteria: Natera Variant Classification Schema (03/2026). Collection method: clinical testing. Allele origin: germline.
Comment: The c.2587G>T variant in ELP1 is a nonsense variant predicted to introduce a stop codon at amino acid 863. This variant is expected to result in nonsense mediated decay, truncation, or a dysfunctional protein product. This variant is rare in the general population with a frequency below the threshold expected for the associated phenotype(s). Given the available evidence, this variant is classified as Likely Pathogenic.

NM_003640.5(ELP1):c.2587G>T (p.Gly863Ter)

Gene: ELP1 (elongator acetyltransferase complex subunit 1; minus strand). Cytogenetic location: 9q31.3.
Variant type: single nucleotide variant.
Coding change: c.2587G>T on transcript NM_003640.5 (MANE Select); coding-DNA position 2587, G replaced by T.
Protein change: p.Gly863Ter; replaces glycine 863 with a stop codon.
Molecular consequence: nonsense.
Genome position (GRCh38, 1-based): chr9:108,896,953, C>A on the plus strand (G>T on the coding strand, the complement: ELP1 is on the minus strand). VCF-style: chr9-108896953-C-A. GRCh37 (hg19) VCF-style: chr9-111659233-C-A.
Other names: c.2245G>T, p.Gly749Ter (NM_001318360.2); c.1540G>T, p.Gly514Ter (NM_001330749.2); short protein forms G514*, G749*, G863*.
Identifiers: ClinVar variation 4815200 (VCV004815200.1).